The following is an entry in ClinVar:

NM_000574.5(CD55):c.1081+1107C>T

Gene: CD55 (CD55 molecule (Cromer blood group); plus strand). Cytogenetic location: 1q32.2.
Variant type: single nucleotide variant.
Coding change: c.1081+1107C>T on transcript NM_000574.5 (MANE Select); 1107 bases into the intron after coding-DNA position 1081, C replaced by T.
Molecular consequence: intron variant. On other transcripts: synonymous variant (1).
Genome position (GRCh38, 1-based): chr1:207,340,524, C>T. VCF-style: chr1-207340524-C-T. GRCh37 (hg19) VCF-style: chr1-207513869-C-T.
Other names: c.1215C>T, p.His405= (NM_001300902.2); c.1199+16C>T (NM_001114752.3); c.1081+1107C>T (NM_001300903.2, NM_001300904.2).
Identifiers: ClinVar variation 1285190 (VCV001285190.27), dbSNP rs149088550, ClinGen allele CA1368218.

ClinVar aggregate classification (germline): Likely benign. Review status: criteria provided, multiple submitters, no conflicts (2 of 4 stars). 4 submissions from 4 submitters: Likely benign (2). 2 of the submissions do not count toward it. Last evaluated 2026-06-01.

Allele frequency attached by ClinVar (database versions not stated): ExAC 0.00090; 1000 Genomes Project 30x 0.00094; 1000 Genomes Project 0.00120; gnomAD exomes 0.00246 and 0.00366; TOPMed 0.00266; gnomAD 0.00305 and 0.00319.
gnomAD v4.1: 2,454 of 698,068 alleles (0.35%); highest among the groups gnomAD compares: Non-Finnish European, 0.45%; 12 homozygotes.

Submissions (4):

CeGaT Center for Human Genetics Tuebingen
Classification: Likely benign. Last evaluated: 2026-06-01. Review status: criteria provided, single submitter. Criteria: CeGaT Center For Human Genetics Tuebingen Variant Classification Criteria Version 2. Collection method: clinical testing. Allele origin: germline. Affected: yes. Observed: 10 variant alleles.
Comment: CD55: BS2

Blueprint Genetics
Classification: Likely benign. Last evaluated: 2024-11-18. Review status: criteria provided, single submitter. Criteria: ACMG Guidelines, 2015. Collection method: clinical testing. Allele origin: germline.

Clinical Genetics DNA and cytogenetics Diagnostics Lab, Erasmus MC, Erasmus Medical Center
Classification: Likely benign. Review status: no assertion criteria provided. Collection method: clinical testing. Allele origin: germline. Affected: yes. Study: VKGL Data-share Consensus. Not counted in ClinVar's aggregate classification.

Genome Diagnostics Laboratory, University Medical Center Utrecht
Classification: Likely benign. Review status: no assertion criteria provided. Collection method: clinical testing. Allele origin: germline. Affected: yes. Study: VKGL Data-share Consensus. Not counted in ClinVar's aggregate classification.